The following is an entry in ClinVar:

NM_001079802.2(FKTN):c.1256T>A (p.Ile419Asn)

Gene: FKTN (fukutin; plus strand). Cytogenetic location: 9q31.2.
Variant type: single nucleotide variant.
Coding change: c.1256T>A on transcript NM_001079802.2 (MANE Select); coding-DNA position 1256, T replaced by A.
Protein change: p.Ile419Asn; replaces isoleucine 419 with asparagine.
Molecular consequence: missense variant. On other transcripts: 3 prime UTR variant (1), non-coding transcript variant (2).
Genome position (GRCh38, 1-based): chr9:105,635,134, T>A. VCF-style: chr9-105635134-T-A. GRCh37 (hg19) VCF-style: chr9-108397415-T-A.
Other names: c.1256T>A, p.Ile419Asn (NM_001198963.2, NM_001351496.2, NM_006731.2); c.1187T>A, p.Ile396Asn (NM_001351497.2); c.*48T>A (NM_001351498.2); c.860T>A, p.Ile287Asn (NM_001351499.2, NM_001351500.2, NM_001351501.2 and 1 more transcripts); short protein forms I396N, I287N, I419N.
Identifiers: ClinVar variation 2585389 (VCV002585389.2), dbSNP rs2539942893, ClinGen allele CA374378186.

ClinVar aggregate classification (germline): Uncertain significance (1 of 4 stars; one submission).

Conditions:
Autosomal recessive limb-girdle muscular dystrophy type 2M. Also called: MUSCULAR DYSTROPHY-DYSTROGLYCANOPATHY (LIMB-GIRDLE), TYPE C, 4; MUSCULAR DYSTROPHY, LIMB-GIRDLE, TYPE 2M. Identifiers: Orphanet 206554, MedGen C1969040, MONDO:0012699, OMIM 611588.

Submission:

Neuberg Centre For Genomic Medicine, NCGM
Classification: Uncertain significance for Autosomal recessive limb-girdle muscular dystrophy type 2M. Last evaluated: 2023-07-22. Review status: criteria provided, single submitter. Criteria: ACMG Guidelines, 2015. Collection method: clinical testing. Allele origin: germline. Inheritance: Autosomal recessive inheritance. Affected: yes.
Comment: The missense variant c.1256T>A p.Ile419Asn in FKTN gene has not been reported previously as a pathogenic variant nor as a benign variant, to our knowledge. The observed variant is absent in gnomAD exomes database. This variant has not been submitted to the ClinVar database. Multiple lines of computational evidence Polyphen - probably damaging, SIFT - damaging and MutationTaster - disease causing predict a damaging effect on protein structure and function for this variant. The amino acid change p.Ile419Asn in FKTN is predicted as conserved by GERP++ and PhyloP across 100 vertebrates. The amino acid Ile at position 419 is changed to a Asn changing protein sequence and it might alter its composition and physico-chemical properties. For these reasons, this variant has been classified as Uncertain Significance VUS.